The following is an entry in ClinVar:

NM_001278716.2(FBXL4):c.849A>C (p.Leu283=)

Gene: FBXL4 (F-box and leucine rich repeat protein 4; minus strand). Cytogenetic location: 6q16.2.
Variant type: single nucleotide variant.
Coding change: c.849A>C on transcript NM_001278716.2 (MANE Select); coding-DNA position 849, A replaced by C.
Protein change: p.Leu283=; no amino-acid change (leucine 283 retained).
Molecular consequence: synonymous variant.
Genome position (GRCh38, 1-based): chr6:98,917,383, T>G on the plus strand (A>C on the coding strand, the complement: FBXL4 is on the minus strand). VCF-style: chr6-98917383-T-G. GRCh37 (hg19) VCF-style: chr6-99365259-T-G.
Other names: c.849A>C, p.Leu283= (NM_012160.5).
Identifiers: ClinVar variation 437642 (VCV000437642.1), dbSNP rs748199266, ClinGen allele CA3933609.

ClinVar aggregate classification (germline): Uncertain significance (1 of 4 stars; one submission).

Conditions:
Mitochondrial DNA depletion syndrome 13. Also called: FBXL4-Related Encephalomyopathic Mitochondrial DNA Depletion Syndrome; Mitochondrial DNA depletion syndrome 13 (encephalomyopathic type). Identifiers: Orphanet 369897, MedGen C3809592, MONDO:0014198, OMIM 615471.

Allele frequency attached by ClinVar (database versions not stated): ExAC 0.00001.

Submission:

Wong Mito Lab, Molecular and Human Genetics, Baylor College of Medicine
Classification: Uncertain significance for Mitochondrial DNA depletion syndrome 13. Last evaluated: 2017-08-10. Review status: criteria provided, single submitter. Criteria: ACMG Guidelines, 2015. Collection method: reference population. Allele origin: germline.
Comment: The NM_012160.4:c.849A>C (NP_036292.2:p.Leu283=) [GRCH38: NC_000006.12:g.98917383T>G] variant in FBXL4 gene is interpretated to be a Uncertain Significance - Conflicting Evidence based on ACMG guidelines (PMID: 25741868). This variant meets one or more of the following evidence codes reported in the ACMG-guideline. PM2:This variant is absent in key population databases. BP4:Computational evidence/predictors indicate no impact on the FBXL4 structure, function, or protein-protein interaction. BP7:The variant is silent with non predicted splice impact. Based on this evidence code ClinGen Pathogenicity Calculator (PMID:28081714) suggested that the variant is Uncertain Significance - Conflicting Evidence.